The following is an entry in ClinVar:

NM_001844.5(COL2A1):c.1801G>A (p.Val601Ile)

Gene: COL2A1 (collagen type II alpha 1 chain; minus strand). Cytogenetic location: 12q13.11.
Variant type: single nucleotide variant.
Coding change: c.1801G>A on transcript NM_001844.5 (MANE Select); coding-DNA position 1801, G replaced by A.
Protein change: p.Val601Ile; replaces valine 601 with isoleucine.
Molecular consequence: missense variant.
Genome position (GRCh38, 1-based): chr12:47,985,027, C>T on the plus strand (G>A on the coding strand, the complement: COL2A1 is on the minus strand). VCF-style: chr12-47985027-C-T. GRCh37 (hg19) VCF-style: chr12-48378810-C-T.
Other names: c.1594G>A, p.Val532Ile (NM_033150.3); short protein forms V532I, V601I.
Identifiers: ClinVar variation 4803664 (VCV004803664.1).

ClinVar aggregate classification (germline): Uncertain significance (1 of 4 stars; one submission).

Submission:

Labcorp Genetics (formerly Invitae), Labcorp
Classification: Uncertain significance. Last evaluated: 2025-08-16. Review status: criteria provided, single submitter. Criteria: Invitae Variant Classification Sherloc (09022015). Collection method: clinical testing. Allele origin: germline.
Comment: This sequence change replaces valine, which is neutral and non-polar, with isoleucine, which is neutral and non-polar, at codon 601 of the COL2A1 protein (p.Val601Ile). This variant is not present in population databases (gnomAD no frequency). This variant has not been reported in the literature in individuals affected with COL2A1-related conditions. Invitae Evidence Modeling of protein sequence and biophysical properties (such as structural, functional, and spatial information, amino acid conservation, physicochemical variation, residue mobility, and thermodynamic stability) indicates that this missense variant is not expected to disrupt COL2A1 protein function with a negative predictive value of 95%. In summary, the available evidence is currently insufficient to determine the role of this variant in disease. Therefore, it has been classified as a Variant of Uncertain Significance.